The following is an entry in ClinVar:

NM_003489.4(NRIP1):c.1660C>T (p.Pro554Ser)

Gene: NRIP1 (nuclear receptor interacting protein 1; minus strand). Cytogenetic location: 21q11.2.
Variant type: single nucleotide variant.
Coding change: c.1660C>T on transcript NM_003489.4 (MANE Select); coding-DNA position 1660, C replaced by T.
Protein change: p.Pro554Ser; replaces proline 554 with serine.
Molecular consequence: missense variant.
Genome position (GRCh38, 1-based): chr21:14,966,533, G>A on the plus strand (C>T on the coding strand, the complement: NRIP1 is on the minus strand). VCF-style: chr21-14966533-G-A. GRCh37 (hg19) VCF-style: chr21-16338854-G-A.
Other names: short protein forms P554S.
Identifiers: ClinVar variation 992908 (VCV000992908.1), dbSNP rs756522136, ClinGen allele CA9981298.
Genomic context (GRCh38, chr21:14,966,533, plus strand): 5'-CCAGAGAGTGTTGAGAGAGATTGATGGGAGACCCTGCTTTGCTTGATGTAAGTAAAGGTG[G>A]AGTGCTCACTGGAGTAGTCCGATTTGTACTGGGGCTTTCTATCACAGAAGTCCTTGCATA-3'
Protein context (NP_003480.2, residues 544-564): STNRTTPVST[Pro554Ser]PLLTSSKAGS

ClinVar aggregate classification (germline): Uncertain significance (1 of 4 stars; one submission).

Conditions:
Congenital anomalies of kidney and urinary tract 3. Identifiers: MedGen C4748921, MONDO:0032646, OMIM 618270.

Allele frequency attached by ClinVar (database versions not stated): gnomAD exomes below 0.00001; ExAC 0.00001.
gnomAD v4.1: 6 of 1,614,104 alleles (0.00037%); highest among the groups gnomAD compares: Admixed American, 0.005%; no homozygotes.

Submission:

Johns Hopkins Genomics, Johns Hopkins University
Classification: Uncertain significance for Congenital anomalies of kidney and urinary tract 3. Last evaluated: 2020-12-17. Review status: criteria provided, single submitter. Criteria: ACMG Guidelines, 2015. Collection method: clinical testing. Allele origin: germline.
Comment: This NRIP1 variant (rs756522136) is rare (<0.1%) in a large population dataset (gnomAD: 3/251292 total alleles; 0.002%; no homozygotes) and has not been reported previously in the literature to our knowledge. Three bioinformatics tools predict this variant would be damaging. The proline residue at this position is conserved across most vertebrate species assessed. This variant is not predicted to affect normal exon 4 splicing, although this has not been confirmed experimentally to our knowledge. Due to insufficient evidence, we consider the clinical significance of c.1660C>T to be uncertain at this time.

Literature cited by the submitters: PubMed 28381549.